The following is an entry in ClinVar:

ClinVar aggregate classification (germline): Likely benign. Review status: criteria provided, multiple submitters, no conflicts (2 of 4 stars). 3 submissions from 3 submitters: Likely benign (3). Last evaluated 2026-08-01.

Allele frequency attached by ClinVar (database versions not stated): TOPMed 0.00002; ExAC 0.00003.
gnomAD v4.1: 40 of 1,605,224 alleles (0.0025%); highest among the groups gnomAD compares: Non-Finnish European, 0.0031%; no homozygotes.

Submissions (3):

CeGaT Center for Human Genetics Tuebingen
Classification: Likely benign. Last evaluated: 2026-08-01. Review status: criteria provided, single submitter. Criteria: CeGaT Center For Human Genetics Tuebingen Variant Classification Criteria Version 2. Collection method: clinical testing. Allele origin: germline. Affected: yes. Observed: 1 variant allele.
Comment: PNPLA8: BP4, BP7

Mayo Clinic Laboratories, Mayo Clinic
Classification: Likely benign. Last evaluated: 2025-10-22. Review status: criteria provided, single submitter. Criteria: ACMG Guidelines, 2015. Collection method: clinical testing. Allele origin: germline. Observed: 1 variant allele.
Comment: BP4, BP7

Labcorp Genetics (formerly Invitae), Labcorp
Classification: Likely benign. Last evaluated: 2024-10-02. Review status: criteria provided, single submitter. Criteria: Invitae Variant Classification Sherloc (09022015). Collection method: clinical testing. Allele origin: germline.

NM_001256007.3(PNPLA8):c.222A>G (p.Pro74=)

Gene: PNPLA8 (patatin like domain 8, phospholipase A2; minus strand). Cytogenetic location: 7q31.1.
Variant type: single nucleotide variant.
Coding change: c.222A>G on transcript NM_001256007.3 (MANE Select); coding-DNA position 222, A replaced by G.
Protein change: p.Pro74=; no amino-acid change (proline 74 retained).
Molecular consequence: synonymous variant. On other transcripts: 5 prime UTR variant (2).
Genome position (GRCh38, 1-based): chr7:108,515,270, T>C on the plus strand (A>G on the coding strand, the complement: PNPLA8 is on the minus strand). VCF-style: chr7-108515270-T-C. GRCh37 (hg19) VCF-style: chr7-108155714-T-C.
Other names: p.Pro74=; c.222A>G, p.Pro74= (NM_001256008.3, NM_001256009.3, NM_015723.5); c.-79A>G (NM_001256010.3, NM_001256011.3).
Identifiers: ClinVar variation 1932082 (VCV001932082.7), dbSNP rs746783384, ClinGen allele CA4439873.